The following is an entry in ClinVar:

ClinVar aggregate classification (germline): Benign/Likely benign. Review status: criteria provided, multiple submitters, no conflicts (2 of 4 stars). 2 submissions from 2 submitters: Benign (1); Likely benign (1). Last evaluated 2024-03-01.

Conditions:
Familial adenomatous polyposis 1 (FAP1). Also called: FAMILIAL ADENOMATOUS POLYPOSIS 1, ATTENUATED; POLYPOSIS, ADENOMATOUS INTESTINAL. Identifiers: MedGen C2713442, MONDO:0021056, OMIM 175100. Disease mechanism: loss of function.

Submissions (2):

Myriad Genetics, Inc.
Classification: Benign for Familial adenomatous polyposis 1. Last evaluated: 2024-03-01. Review status: criteria provided, single submitter. Criteria: Myriad Autosomal Dominant, Autosomal Recessive and X-Linked Classification Criteria (2023). Collection method: clinical testing. Allele origin: unknown.
Comment: This variant is considered benign. This variant is a silent/synonymous amino acid change and it is not expected to impact splicing.

Labcorp Genetics (formerly Invitae), Labcorp
Classification: Likely benign for Familial adenomatous polyposis 1. Last evaluated: 2023-11-09. Review status: criteria provided, single submitter. Criteria: Invitae Variant Classification Sherloc (09022015). Collection method: clinical testing. Allele origin: germline.

NM_000038.6(APC):c.1467T>C (p.Thr489=)

Gene: APC (APC regulator of Wnt signaling pathway; plus strand). Cytogenetic location: 5q22.2.
Variant type: single nucleotide variant.
Coding change: c.1467T>C on transcript NM_000038.6 (MANE Select); coding-DNA position 1467, T replaced by C.
Protein change: p.Thr489=; no amino-acid change (threonine 489 retained).
Molecular consequence: synonymous variant.
Genome position (GRCh38, 1-based): chr5:112,827,166, T>C. VCF-style: chr5-112827166-T-C. GRCh37 (hg19) VCF-style: chr5-112162863-T-C.
Other names: c.1467T>C, p.Thr489= (NM_001127510.3, NM_001354895.2, NM_001407450.1); c.1413T>C, p.Thr471= (NM_001127511.3); c.1521T>C, p.Thr507= (NM_001354896.2, NM_001407447.1, NM_001407448.1 and 1 more transcripts); c.1497T>C, p.Thr499= (NM_001354897.2); c.1392T>C, p.Thr464= (NM_001354898.2); c.1383T>C, p.Thr461= (NM_001354899.2); c.1344T>C, p.Thr448= (NM_001354900.2); c.1290T>C, p.Thr430= (NM_001354901.2, NM_001407453.1); and 11 more.
Identifiers: ClinVar variation 2787792 (VCV002787792.4), dbSNP rs2149809331, ClinGen allele CA445755930.